The following is an entry in ClinVar:

NM_013447.4(ADGRE2):c.2457del (p.Ser820fs)

Gene: ADGRE2 (adhesion G protein-coupled receptor E2; minus strand). Cytogenetic location: 19p13.12.
Variant type: Deletion.
Coding change: c.2457del on transcript NM_013447.4 (MANE Select); coding-DNA position 2457, one base deleted (C; older notation c.2457delC).
Protein change: p.Ser820fs; shifts the reading frame from serine 820.
Molecular consequence: frameshift variant.
Genome position (GRCh38, 1-based): chr19:14,743,426, G deleted on the plus strand (C on the coding strand, the reverse complement: ADGRE2 is on the minus strand); the first of 3 consecutive G bases (chr19:14,743,426-14,743,428); deleting any one gives the same sequence. VCF-style (leftmost placement, unchanged base first): chr19-14743425-TG-T. GRCh37 (hg19) VCF-style: chr19-14854237-TG-T.
Other names: c.2283del, p.Ser762fs (NM_001271052.1); c.2308delC, p.Ser771Alafs (NM_152916.2); c.2176delC, p.Ser727Alafs (NM_152917.2); short protein forms S820fs, S762fs.
Identifiers: ClinVar variation 2179074 (VCV002179074.4), dbSNP rs2512944973, ClinGen allele CA2576652275.

ClinVar aggregate classification (germline): Uncertain significance (1 of 4 stars; one submission).

Submission:

Labcorp Genetics (formerly Invitae), Labcorp
Classification: Uncertain significance. Last evaluated: 2023-10-13. Review status: criteria provided, single submitter. Criteria: Invitae Variant Classification Sherloc (09022015). Collection method: clinical testing. Allele origin: germline.
Comment: This sequence change results in a frameshift in the ADGRE2 gene (p.Ser820Alafs*9). While this is not anticipated to result in nonsense mediated decay, it is expected to disrupt the last 4 amino acid(s) of the ADGRE2 protein and extend the protein by 4 additional amino acid residues. This variant is not present in population databases (gnomAD no frequency). This variant has not been reported in the literature in individuals affected with ADGRE2-related conditions. ClinVar contains an entry for this variant (Variation ID: 2179074). Experimental studies and prediction algorithms are not available or were not evaluated, and the functional significance of this variant is currently unknown. In summary, the available evidence is currently insufficient to determine the role of this variant in disease. Therefore, it has been classified as a Variant of Uncertain Significance.